The following is an entry in ClinVar:

NM_000548.5(TSC2):c.3317A>G (p.Lys1106Arg)

Gene: TSC2 (TSC complex subunit 2; plus strand). Cytogenetic location: 16p13.3.
Variant type: single nucleotide variant.
Coding change: c.3317A>G on transcript NM_000548.5 (MANE Select); coding-DNA position 3317, A replaced by G.
Protein change: p.Lys1106Arg; replaces lysine 1106 with arginine.
Molecular consequence: missense variant.
Genome position (GRCh38, 1-based): chr16:2,079,589, A>G. VCF-style: chr16-2079589-A-G. GRCh37 (hg19) VCF-style: chr16-2129590-A-G.
Other names: c.3317A>G (NM_000548.3); c.3185A>G, p.Lys1062Arg (NM_001077183.3, NM_001370404.1); c.3317A>G, p.Lys1106Arg (NM_001114382.3); c.3077A>G, p.Lys1026Arg (NM_001318827.2); c.3041A>G, p.Lys1014Arg (NM_001318829.2); c.2585A>G, p.Lys862Arg (NM_001318831.2); c.3218A>G, p.Lys1073Arg (NM_001318832.2); c.3188A>G, p.Lys1063Arg (NM_001363528.2, NM_001370405.1, NM_021055.3); short protein forms K1062R, K1106R, K862R, K1014R, K1026R, K1063R, K1073R.
Identifiers: ClinVar variation 1401403 (VCV001401403.10), dbSNP rs764113584, ClinGen allele CA394286579.

ClinVar aggregate classification (germline): Uncertain significance. Review status: criteria provided, multiple submitters, no conflicts (2 of 4 stars). 2 submissions from 2 submitters: Uncertain significance (2). Last evaluated 2024-10-28.

Conditions:
Hereditary cancer-predisposing syndrome. Also called: Neoplastic Syndromes, Hereditary; Hereditary neoplastic syndrome; Hereditary Cancer Syndrome; Tumor predisposition. Identifiers: Orphanet 140162, MedGen C0027672, MeSH D009386, MONDO:0015356.
Tuberous sclerosis 2 (TSC2). Identifiers: Orphanet 805, MedGen C1860707, MONDO:0013199, OMIM 613254.

Allele frequency attached by ClinVar (database versions not stated): gnomAD exomes below 0.00001.
gnomAD v4.1: 2 of 1,611,612 alleles (0.00012%); highest among the groups gnomAD compares: Non-Finnish European, 0.000085%; no homozygotes.

Submissions (2):

Ambry Genetics
Classification: Uncertain significance for Hereditary cancer-predisposing syndrome. Last evaluated: 2024-10-28. Review status: criteria provided, single submitter. Criteria: Ambry Variant Classification Scheme 2023. Collection method: clinical testing. Allele origin: germline.
Comment: The p.K1106R variant (also known as c.3317A>G), located in coding exon 28 of the TSC2 gene, results from an A to G substitution at nucleotide position 3317. The lysine at codon 1106 is replaced by arginine, an amino acid with highly similar properties. This amino acid position is conserved. In addition, this alteration is predicted to be deleterious by in silico analysis. Based on the available evidence, the clinical significance of this variant remains unclear.

Labcorp Genetics (formerly Invitae), Labcorp
Classification: Uncertain significance for Tuberous sclerosis 2. Last evaluated: 2022-08-23. Review status: criteria provided, single submitter. Criteria: Invitae Variant Classification Sherloc (09022015). Collection method: clinical testing. Allele origin: germline.
Comment: ClinVar contains an entry for this variant (Variation ID: 1401403). This variant has not been reported in the literature in individuals affected with TSC2-related conditions. This variant is not present in population databases (gnomAD no frequency). This sequence change replaces lysine, which is basic and polar, with arginine, which is basic and polar, at codon 1106 of the TSC2 protein (p.Lys1106Arg). In summary, the available evidence is currently insufficient to determine the role of this variant in disease. Therefore, it has been classified as a Variant of Uncertain Significance. Algorithms developed to predict the effect of sequence changes on RNA splicing suggest that this variant may disrupt the consensus splice site. Advanced modeling of protein sequence and biophysical properties (such as structural, functional, and spatial information, amino acid conservation, physicochemical variation, residue mobility, and thermodynamic stability) performed at Invitae indicates that this missense variant is not expected to disrupt TSC2 protein function.